The following is an entry in ClinVar:

ClinVar aggregate classification (germline): Uncertain significance. Review status: criteria provided, multiple submitters, no conflicts (2 of 4 stars). 6 submissions from 6 submitters: Uncertain significance (6). Last evaluated 2023-01-09.

Conditions:
Cardiovascular phenotype. Identifiers: MedGen CN230736.
Dilated cardiomyopathy 1G (CMD1G). Identifiers: Orphanet 154, MedGen C1858763, MONDO:0011400, OMIM 604145.
Autosomal recessive limb-girdle muscular dystrophy type 2J (LGMDR10). Also called: Limb-girdle muscular dystrophy, type 2J; MUSCULAR DYSTROPHY, LIMB-GIRDLE, AUTOSOMAL RECESSIVE 10. Identifiers: Orphanet 140922, MedGen C1837342, MONDO:0012127, OMIM 608807.

Allele frequency attached by ClinVar (database versions not stated): ExAC 0.00001; gnomAD exomes 0.00003 and 0.00007; gnomAD 0.00005; TOPMed 0.00005.
gnomAD v4.1: 119 of 1,613,822 alleles (0.0074%); highest among the groups gnomAD compares: Non-Finnish European, 0.0086%; no homozygotes.

Submissions (6):

Women's Health and Genetics/Laboratory Corporation of America, LabCorp
Classification: Uncertain significance. Last evaluated: 2023-01-09. Review status: criteria provided, single submitter. Criteria: LabCorp Variant Classification Summary - May 2015. Collection method: clinical testing. Allele origin: germline.
Comment: Variant summary: TTN c.97817G>A (p.Arg32606His) results in a non-conservative amino acid change located in the M-Band region of the encoded protein sequence. Two of four in-silico tools predict a benign effect of the variant on protein function. The variant allele was found at a frequency of 2.8e-05 in 249192 control chromosomes. The available data on variant occurrences in the general population are insufficient to allow any conclusion about variant significance. c.97817G>A has been reported in the literature in individuals affected with Dilated Cardiomyopathy (Mazzaroto_2020). This report does not provide unequivocal conclusions about association of the variant with Dilated Cardiomyopathy. To our knowledge, no experimental evidence demonstrating an impact on protein function has been reported. Four clinical diagnostic laboratories have submitted clinical-significance assessments for this variant to ClinVar after 2014 without evidence for independent evaluation. All laboratories classified the variant as uncertain significance. Based on the evidence outlined above, the variant was classified as uncertain significance.

Revvity Omics, Revvity
Classification: Uncertain significance. Last evaluated: 2019-05-24. Review status: criteria provided, single submitter. Criteria: ACMG Guidelines, 2015. Collection method: clinical testing. Allele origin: germline.

Ambry Genetics
Classification: Uncertain significance for Cardiovascular phenotype. Last evaluated: 2019-05-08. Review status: criteria provided, single submitter. Criteria: Ambry Variant Classification Scheme 2023. Collection method: clinical testing. Allele origin: germline.
Comment: The p.R26109H variant (also known as c.78326G>A), located in coding exon 185 of the TTN gene, results from a G to A substitution at nucleotide position 78326. The arginine at codon 26109 is replaced by histidine, an amino acid with highly similar properties. This amino acid position is well conserved in available vertebrate species; however, histidine is the reference amino acid in other vertebrate species. In addition, this alteration is predicted to be tolerated by in silico analysis. Since supporting evidence is limited at this time, the clinical significance of this alteration remains unclear.

Labcorp Genetics (formerly Invitae), Labcorp
Classification: Uncertain significance for Dilated cardiomyopathy 1G; Autosomal recessive limb-girdle muscular dystrophy type 2J. Last evaluated: 2017-05-15. Review status: criteria provided, single submitter. Criteria: Invitae Variant Classification Sherloc (09022015). Collection method: clinical testing. Allele origin: germline.

Eurofins Ntd Llc (ga)
Classification: Uncertain significance. Last evaluated: 2016-10-17. Review status: criteria provided, single submitter. Criteria: EGL Classification Definitions 2015. Collection method: clinical testing. Allele origin: germline. Observed: 3 variant alleles, 3 heterozygotes.

Genetic Services Laboratory, University of Chicago
Classification: Uncertain significance. Last evaluated: 2016-05-05. Review status: criteria provided, single submitter. Criteria: ACMG Guidelines, 2015. Collection method: clinical testing. Allele origin: germline. Affected: no.

Literature cited by the submitters: PubMed 31983221 (cited by Women's Health and Genetics/Laboratory Corporation of America, LabCorp).

NM_001267550.2(TTN):c.105521G>A (p.Arg35174His)

Genes: TTN (titin; minus strand), TTN-AS1 (TTN antisense RNA 1; plus strand), LOC129935184 (ATAC-STARR-seq lymphoblastoid active region 16809; plus strand). Cytogenetic location: 2q31.2.
Variant type: single nucleotide variant.
Coding change: c.105521G>A on transcript NM_001267550.2 (MANE Select); coding-DNA position 105521, G replaced by A.
Protein change: p.Arg35174His; replaces arginine 35174 with histidine.
Molecular consequence: missense variant.
Genome position (GRCh38, 1-based): chr2:178,531,094, C>T on the plus strand (G>A on the coding strand, the complement: TTN is on the minus strand). VCF-style: chr2-178531094-C-T. GRCh37 (hg19) VCF-style: chr2-179395821-C-T.
Other names: c.100598G>A, p.Arg33533His (NM_001256850.1); c.78326G>A, p.Arg26109His (NM_003319.4); c.97817G>A, p.Arg32606His (NM_133378.4); c.78701G>A, p.Arg26234His (NM_133432.3); c.78902G>A, p.Arg26301His (NM_133437.4); short protein forms R32606H, R35174H, R26234H, R26301H, R33533H, R26109H.
Identifiers: ClinVar variation 437102 (VCV000437102.24), dbSNP rs756575734, ClinGen allele CA1985239.
Genomic context (GRCh38, chr2:178,531,094, plus strand): 5'-GAAGCCTGGACTGAAGAGATCTCAAAGGTTGATTTGTACTTTGTGGTGGTCACTTGGTGG[C>T]GGGCAGAAGTACTTAGCACTTGTCCTTTACGCAGCCAGGTCACAGTTGGTACCGGCTCAC-3'
Protein context (NP_001254479.2, residues 35164-35184): RKGQVLSTSA[Arg35174His]HQVTTTKYKS